The following is an entry in ClinVar:

NM_005430.4(WNT1):c.937C>A (p.Arg313Ser)

Gene: WNT1 (Wnt family member 1; plus strand). Cytogenetic location: 12q13.12.
Variant type: single nucleotide variant.
Coding change: c.937C>A on transcript NM_005430.4 (MANE Select); coding-DNA position 937, C replaced by A.
Protein change: p.Arg313Ser; replaces arginine 313 with serine.
Molecular consequence: missense variant.
Genome position (GRCh38, 1-based): chr12:48,981,464, C>A. VCF-style: chr12-48981464-C-A. GRCh37 (hg19) VCF-style: chr12-49375247-C-A.
Other names: short protein forms R313S.
Identifiers: ClinVar variation 870117 (VCV000870117.2), dbSNP rs1162097828, ClinGen allele CA384637333.

ClinVar aggregate classification (germline): Uncertain significance (1 of 4 stars; one submission).

Conditions:
Osteogenesis imperfecta (OI). Identifiers: Orphanet 666, MedGen C0029434, MeSH D010013, MONDO:0019019.

Allele frequency attached by ClinVar (database versions not stated): TOPMed below 0.00001; gnomAD exomes 0.00001.
gnomAD v4.1: 9 of 1,558,790 alleles (0.00058%); highest among the groups gnomAD compares: Non-Finnish European, 0.00078%; no homozygotes.

Submission:

Genetics Department, Polish Mother's Memorial Hospital Research Institute
Classification: Uncertain significance for Osteogenesis imperfecta. Last evaluated: 2020-04-06. Review status: criteria provided, single submitter. Criteria: ACMG Guidelines, 2015. Collection method: research. Allele origin: inherited. Affected: yes. Observed: 1 variant allele.